The following is an entry in ClinVar:

ClinVar aggregate classification (germline): Benign (1 of 4 stars; one submission).

Conditions:
Posterior column ataxia-retinitis pigmentosa syndrome (RETSNS). Also called: RETINOPATHY-SENSORY NEUROPATHY SYNDROME. Identifiers: Orphanet 88628, MedGen C1836916, MONDO:0012177, OMIM 609033.

Allele frequency attached by ClinVar (database versions not stated): gnomAD 0.00098 and 0.00084; 1000 Genomes Project 30x 0.00390; 1000 Genomes Project 0.00439; gnomAD exomes 0.00104; TOPMed 0.00131.
gnomAD v4.1: 448 of 426,540 alleles (0.11%); highest among the groups gnomAD compares: East Asian, 1.9%; 3 homozygotes.

Submission:

Illumina Laboratory Services, Illumina
Classification: Benign for Posterior column ataxia-retinitis pigmentosa syndrome. Last evaluated: 2018-01-12. Review status: criteria provided, single submitter. Criteria: ICSL Variant Classification Criteria 13 December 2019. Collection method: clinical testing. Allele origin: germline.
Comment: This variant was observed in the ICSL laboratory as part of a predisposition screen in an ostensibly healthy population. It had not been previously curated by ICSL or reported in the Human Gene Mutation Database (HGMD: prior to June 1st, 2018), and was therefore a candidate for classification through an automated scoring system. Utilizing variant allele frequency, disease prevalence and penetrance estimates, and inheritance mode, an automated score was calculated to assess if this variant is too frequent to cause the disease. Based on the score and internal cut-off values, a variant classified as benign is not then subjected to further curation. The score for this variant resulted in a classification of benign for this disease.

NM_014053.4(FLVCR1):c.*279T>C

Gene: FLVCR1 (FLVCR choline and heme transporter 1; plus strand). Cytogenetic location: 1q32.3.
Variant type: single nucleotide variant.
Coding change: c.*279T>C on transcript NM_014053.4 (MANE Select); 279 bases downstream of the stop codon, T replaced by C.
Molecular consequence: 3 prime UTR variant.
Genome position (GRCh38, 1-based): chr1:212,895,569, T>C. VCF-style: chr1-212895569-T-C. GRCh37 (hg19) VCF-style: chr1-213068911-T-C.
Identifiers: ClinVar variation 295330 (VCV000295330.5), dbSNP rs17019875, ClinGen allele CA10609712.
Genomic context (GRCh38, chr1:212,895,569, plus strand): 5'-TACTGTTTATCTAATTAGTATCCGGTTTTTAGTCTCATATTGTATCTGAAAGTAAGCTTC[T>C]TGACGTTTACTTTTTAAAAGTCGATGTTTTTCTTTTTTGTAGAAAATGGAAGCTTAGAAT-3'